The following is an entry in ClinVar:

NM_006086.4(TUBB3):c.523G>T (p.Val175Leu)

Gene: TUBB3 (tubulin beta 3 class III; plus strand). Cytogenetic location: 16q24.3.
Variant type: single nucleotide variant.
Coding change: c.523G>T on transcript NM_006086.4 (MANE Select); coding-DNA position 523, G replaced by T.
Protein change: p.Val175Leu; replaces valine 175 with leucine.
Molecular consequence: missense variant.
Genome position (GRCh38, 1-based): chr16:89,934,974, G>T. VCF-style: chr16-89934974-G-T. GRCh37 (hg19) VCF-style: chr16-90001382-G-T.
Other names: c.307G>T, p.Val103Leu (NM_001197181.2); short protein forms V103L, V175L.
Identifiers: ClinVar variation 2834919 (VCV002834919.4), dbSNP rs1555625571, ClinGen allele CA397474754.

ClinVar aggregate classification (germline): Conflicting classifications of pathogenicity. Review status: criteria provided, conflicting classifications (1 of 4 stars). 2 submissions from 2 submitters: Likely pathogenic (1); Uncertain significance (1). Last evaluated 2024-04-11.

Conditions:
TUBB3-related disorder. Also called: TUBB3-related disorders; TUBB3-related condition.

Submissions (2):

Labcorp Genetics (formerly Invitae), Labcorp
Classification: Uncertain significance. Last evaluated: 2024-04-11. Review status: criteria provided, single submitter. Criteria: Invitae Variant Classification Sherloc (09022015). Collection method: clinical testing. Allele origin: germline.
Comment: This sequence change replaces valine, which is neutral and non-polar, with leucine, which is neutral and non-polar, at codon 175 of the TUBB3 protein (p.Val175Leu). This variant is not present in population databases (gnomAD no frequency). This missense change has been observed in individual(s) with clinical features of TUBB3-related conditions (PMID: 29187032). Advanced modeling of protein sequence and biophysical properties (such as structural, functional, and spatial information, amino acid conservation, physicochemical variation, residue mobility, and thermodynamic stability) performed at Invitae indicates that this missense variant is expected to disrupt TUBB3 protein function with a positive predictive value of 80%. In summary, the available evidence is currently insufficient to determine the role of this variant in disease. Therefore, it has been classified as a Variant of Uncertain Significance.

Blueprint Genetics
Classification: Likely pathogenic for TUBB3-related disorders. Last evaluated: 2021-04-05. Review status: criteria provided, single submitter. Criteria: ACMG Guidelines, 2015. Collection method: clinical testing. Allele origin: germline. Affected: yes. Observed: 1 variant allele.

Literature cited by the submitters: PubMed 29187032 (cited by Labcorp Genetics (formerly Invitae), Labcorp).